The following is an entry in ClinVar:

NM_005228.5(EGFR):c.1453G>T (p.Gly485Cys)

Gene: EGFR (epidermal growth factor receptor; plus strand). Cytogenetic location: 7p11.2.
Variant type: single nucleotide variant.
Coding change: c.1453G>T on transcript NM_005228.5 (MANE Select); coding-DNA position 1453, G replaced by T.
Protein change: p.Gly485Cys; replaces glycine 485 with cysteine.
Molecular consequence: missense variant.
Genome position (GRCh38, 1-based): chr7:55,160,293, G>T. VCF-style: chr7-55160293-G-T. GRCh37 (hg19) VCF-style: chr7-55227986-G-T.
Other names: c.1318G>T, p.Gly440Cys (NM_001346897.2, NM_001346899.2); c.1453G>T, p.Gly485Cys (NM_001346898.2, NM_201282.2, NM_201284.2); c.1294G>T, p.Gly432Cys (NM_001346900.2); c.652G>T, p.Gly218Cys (NM_001346941.2); short protein forms G485C, G432C, G440C, G218C.
Identifiers: ClinVar variation 954984 (VCV000954984.10), dbSNP rs769434273, ClinGen allele CA367579642.

ClinVar aggregate classification (germline): Uncertain significance. Review status: criteria provided, multiple submitters, no conflicts (2 of 4 stars). 2 submissions from 2 submitters: Uncertain significance (2). Last evaluated 2025-05-24.

Conditions:
EGFR-related lung cancer (EGFR). Identifiers: MedGen CN130014.
Hereditary cancer-predisposing syndrome. Also called: Hereditary neoplastic syndrome; Tumor predisposition; Neoplastic Syndromes, Hereditary; Hereditary Cancer Syndrome. Identifiers: Orphanet 140162, MedGen C0027672, MeSH D009386, MONDO:0015356.

Allele frequency attached by ClinVar (database versions not stated): TOPMed 0.00001.

Submissions (2):

Ambry Genetics
Classification: Uncertain significance for Hereditary cancer-predisposing syndrome. Last evaluated: 2025-05-24. Review status: criteria provided, single submitter. Criteria: Ambry Variant Classification Scheme 2023. Collection method: clinical testing. Allele origin: germline.
Comment: The p.G485C variant (also known as c.1453G>T), located in coding exon 12 of the EGFR gene, results from a G to T substitution at nucleotide position 1453. The glycine at codon 485 is replaced by cysteine, an amino acid with highly dissimilar properties. This amino acid position is conserved. In addition, this alteration is predicted to be tolerated by in silico analysis. Based on the available evidence, the clinical significance of this variant remains unclear.

Labcorp Genetics (formerly Invitae), Labcorp
Classification: Uncertain significance for EGFR-related lung cancer. Last evaluated: 2024-02-06. Review status: criteria provided, single submitter. Criteria: Invitae Variant Classification Sherloc (09022015). Collection method: clinical testing. Allele origin: germline.
Comment: This sequence change replaces glycine, which is neutral and non-polar, with cysteine, which is neutral and slightly polar, at codon 485 of the EGFR protein (p.Gly485Cys). This variant is not present in population databases (gnomAD no frequency). This variant has not been reported in the literature in individuals affected with EGFR-related conditions. ClinVar contains an entry for this variant (Variation ID: 954984). An algorithm developed to predict the effect of missense changes on protein structure and function (PolyPhen-2) suggests that this variant is likely to be tolerated. In summary, the available evidence is currently insufficient to determine the role of this variant in disease. Therefore, it has been classified as a Variant of Uncertain Significance.